The following is an entry in ClinVar:

NM_033116.6(NEK9):c.1489C>T (p.Arg497Ter)

Gene: NEK9 (NIMA related kinase 9; minus strand). Cytogenetic location: 14q24.3.
Variant type: single nucleotide variant.
Coding change: c.1489C>T on transcript NM_033116.6 (MANE Select); coding-DNA position 1489, C replaced by T.
Protein change: p.Arg497Ter; replaces arginine 497 with a stop codon.
Molecular consequence: nonsense.
Genome position (GRCh38, 1-based): chr14:75,106,541, G>A on the plus strand (C>T on the coding strand, the complement: NEK9 is on the minus strand). VCF-style: chr14-75106541-G-A. GRCh37 (hg19) VCF-style: chr14-75573244-G-A.
Other names: c.1489C>T, p.Arg497Ter (NM_001329237.2); c.1135C>T, p.Arg379Ter (NM_001329238.2); short protein forms R497*, R379*.
Identifiers: ClinVar variation 242929 (VCV000242929.4), dbSNP rs757011098, ClinGen allele CA7276974.

ClinVar aggregate classification (germline): Pathogenic. Review status: criteria provided, single submitter (1 of 4 stars). 2 submissions from 2 submitters: Pathogenic (1). 1 of the submissions does not count toward it.

Conditions:
NEK9-related lethal skeletal dysplasia. Also called: Lethal congenital contracture syndrome 10. Identifiers: Orphanet 464366, MedGen C5568141, MONDO:0014870, OMIM 617022.

Allele frequency attached by ClinVar (database versions not stated): gnomAD exomes below 0.00001; TOPMed below 0.00001; ExAC 0.00001; gnomAD 0.00001.

Submissions (2):

Juno Genomics, Hangzhou Juno Genomics, Inc
Classification: Pathogenic for NEK9-related lethal skeletal dysplasia. Review status: criteria provided, single submitter. Criteria: ACMG Guidelines, 2015. Collection method: clinical testing. Allele origin: germline. Affected: yes.
Comment: Absent from controls (or at extremely low frequency if recessive) in Genome Aggregation Database, Exome Sequencing Project, 1000 Genomes Project, or Exome Aggregation Consortium.;Null variant in a gene where loss of function (LOF) is a known mechanism of disease.;For recessive disorders, detected in trans with a pathogenic variant.

OMIM
Classification: Pathogenic for LETHAL CONGENITAL CONTRACTURE SYNDROME 10. Last evaluated: 2019-12-18. Review status: no assertion criteria provided. Collection method: literature only. Allele origin: germline. Not counted in ClinVar's aggregate classification.

Literature cited by the submitters: PubMed 26908619 (cited by OMIM).